The following is an entry in ClinVar:

ClinVar aggregate classification (germline): Uncertain significance (1 of 4 stars; one submission).

Submission:

Ambry Genetics
Classification: Uncertain significance. Last evaluated: 2025-10-27. Review status: criteria provided, single submitter. Criteria: Ambry Variant Classification Scheme 2023. Collection method: clinical testing. Allele origin: germline.
Comment: The p.R1173S variant (also known as c.3519G>C), located in coding exon 14 of the WNK2 gene, results from a G to C substitution at nucleotide position 3519. The arginine at codon 1173 is replaced by serine, an amino acid with dissimilar properties. This amino acid position is conserved. In addition, this alteration is predicted to be tolerated by in silico analysis. Based on the available evidence, the clinical significance of this variant remains unclear.

NM_006648.4(WNK2):c.3519G>C (p.Arg1173Ser)

Gene: WNK2 (WNK lysine deficient protein kinase 2; plus strand). Cytogenetic location: 9q22.31.
Variant type: single nucleotide variant.
Coding change: c.3519G>C on transcript NM_006648.4 (MANE Select); coding-DNA position 3519, G replaced by C.
Protein change: p.Arg1173Ser; replaces arginine 1173 with serine.
Molecular consequence: missense variant.
Genome position (GRCh38, 1-based): chr9:93,263,674, G>C. VCF-style: chr9-93263674-G-C. GRCh37 (hg19) VCF-style: chr9-96025956-G-C.
Other names: c.3519G>C, p.Arg1173Ser (NM_001282394.3); short protein forms R1173S.
Identifiers: ClinVar variation 4605310 (VCV004605310.1).
Genomic context (GRCh38, chr9:93,263,674, plus strand): 5'-TGAAGGCGCCTTTGGAGGGGGCAGGCTGGAGGGCAGGGCAGCCCGAAAACACCACCGCAG[G>C]TCCACGCGTGCGCGCTCCCGGCAGGAGAGGGCCAGCCGGCCCCGGCTTACCATCTTGAAC-3'
Protein context (NP_006639.3, residues 1163-1183): EGRAARKHHR[Arg1173Ser]STRARSRQER